The following is an entry in ClinVar:

NM_000370.3(TTPA):c.644C>A (p.Thr215Asn)

Gene: TTPA (alpha tocopherol transfer protein; minus strand). Cytogenetic location: 8q12.3.
Variant type: single nucleotide variant.
Coding change: c.644C>A on transcript NM_000370.3 (MANE Select); coding-DNA position 644, C replaced by A.
Protein change: p.Thr215Asn; replaces threonine 215 with asparagine.
Molecular consequence: missense variant.
Genome position (GRCh38, 1-based): chr8:63,064,225, G>T on the plus strand (C>A on the coding strand, the complement: TTPA is on the minus strand). VCF-style: chr8-63064225-G-T. GRCh37 (hg19) VCF-style: chr8-63976784-G-T.
Other names: c.296C>A, p.Thr99Asn (NM_001413414.1); c.644C>A, p.Thr215Asn (NM_001413416.1); c.761C>A, p.Thr254Asn (NM_001413418.1); short protein forms T254N, T215N, T99N.
Identifiers: ClinVar variation 2014156 (VCV002014156.4), dbSNP rs2487142987, ClinGen allele CA371332066.
Genomic context (GRCh38, chr8:63,064,225, plus strand): 5'-TTTGGTGTAGAGGAACACAGACTTGAATATATTTTACTCACCCGTTCCTTAATTTTTTCA[G>T]TCAGGAATGGTTTGATCATGGAAAAGACAGCATGGAAAATTACTGGTTCATTTATCAAAT-3'
Protein context (NP_000361.1, residues 205-225): AVFSMIKPFL[Thr215Asn]EKIKERIHMH

ClinVar aggregate classification (germline): Uncertain significance (1 of 4 stars; one submission).

Submission:

Labcorp Genetics (formerly Invitae), Labcorp
Classification: Uncertain significance. Last evaluated: 2023-08-17. Review status: criteria provided, single submitter. Criteria: Invitae Variant Classification Sherloc (09022015). Collection method: clinical testing. Allele origin: germline.
Comment: ClinVar contains an entry for this variant (Variation ID: 2014156). In summary, the available evidence is currently insufficient to determine the role of this variant in disease. Therefore, it has been classified as a Variant of Uncertain Significance. Advanced modeling of protein sequence and biophysical properties (such as structural, functional, and spatial information, amino acid conservation, physicochemical variation, residue mobility, and thermodynamic stability) performed at Invitae indicates that this missense variant is not expected to disrupt TTPA protein function. This variant has not been reported in the literature in individuals affected with TTPA-related conditions. This variant is not present in population databases (gnomAD no frequency). This sequence change replaces threonine, which is neutral and polar, with asparagine, which is neutral and polar, at codon 215 of the TTPA protein (p.Thr215Asn).